The following is an entry in ClinVar:

NM_013266.4(CTNNA3):c.1073C>A (p.Thr358Asn)

Gene: CTNNA3 (catenin alpha 3; minus strand). Cytogenetic location: 10q21.3.
Variant type: single nucleotide variant.
Coding change: c.1073C>A on transcript NM_013266.4 (MANE Select); coding-DNA position 1073, C replaced by A.
Protein change: p.Thr358Asn; replaces threonine 358 with asparagine.
Molecular consequence: missense variant.
Genome position (GRCh38, 1-based): chr10:66,775,499, G>T on the plus strand (C>A on the coding strand, the complement: CTNNA3 is on the minus strand). VCF-style: chr10-66775499-G-T. GRCh37 (hg19) VCF-style: chr10-68535257-G-T.
Other names: c.1073C>A, p.Thr358Asn (NM_001127384.3); short protein forms T358N.
Identifiers: ClinVar variation 222538 (VCV000222538.15), dbSNP rs751471841, ClinGen allele CA079820.

ClinVar aggregate classification (germline): Uncertain significance. Review status: criteria provided, multiple submitters, no conflicts (2 of 4 stars). 3 submissions from 3 submitters: Uncertain significance (3). Last evaluated 2025-02-23.

Conditions:
Arrhythmogenic right ventricular dysplasia 13. Also called: ARRHYTHMOGENIC RIGHT VENTRICULAR CARDIOMYOPATHY 13; Arrhythmogenic right ventricular dysplasia, familial, 13. Identifiers: MedGen C3810138, MONDO:0000908, OMIM 615616.

Allele frequency attached by ClinVar (database versions not stated): gnomAD 0.00001; ExAC 0.00002; gnomAD exomes 0.00003; TOPMed 0.00003.

Submissions (3):

Labcorp Genetics (formerly Invitae), Labcorp
Classification: Uncertain significance for Arrhythmogenic right ventricular dysplasia 13. Last evaluated: 2025-02-23. Review status: criteria provided, single submitter. Criteria: Invitae Variant Classification Sherloc (09022015). Collection method: clinical testing. Allele origin: germline.
Comment: This sequence change replaces threonine, which is neutral and polar, with asparagine, which is neutral and polar, at codon 358 of the CTNNA3 protein (p.Thr358Asn). This variant is present in population databases (rs751471841, gnomAD 0.005%). This variant has not been reported in the literature in individuals affected with CTNNA3-related conditions. ClinVar contains an entry for this variant (Variation ID: 222538). Invitae Evidence Modeling of protein sequence and biophysical properties (such as structural, functional, and spatial information, amino acid conservation, physicochemical variation, residue mobility, and thermodynamic stability) indicates that this missense variant is not expected to disrupt CTNNA3 protein function with a negative predictive value of 80%. In summary, the available evidence is currently insufficient to determine the role of this variant in disease. Therefore, it has been classified as a Variant of Uncertain Significance.

Blueprint Genetics
Classification: Uncertain significance. Last evaluated: 2023-01-02. Review status: criteria provided, single submitter. Criteria: ACMG Guidelines, 2015. Collection method: clinical testing. Allele origin: germline.

Stanford Center for Inherited Cardiovascular Disease, Stanford University
Classification: Uncertain significance. Last evaluated: 2017-07-24. Review status: criteria provided, single submitter. Criteria: ACMG Guidelines, 2015. Collection method: provider interpretation. Allele origin: germline.